The following is an entry in ClinVar:

ClinVar aggregate classification (germline): Uncertain significance (1 of 4 stars; one submission).

Conditions:
Hereditary cancer-predisposing syndrome. Also called: Tumor predisposition; Hereditary neoplastic syndrome; Hereditary Cancer Syndrome; Neoplastic Syndromes, Hereditary. Identifiers: Orphanet 140162, MedGen C0027672, MeSH D009386, MONDO:0015356.

Submission:

Ambry Genetics
Classification: Uncertain significance for Hereditary cancer-predisposing syndrome. Last evaluated: 2025-04-23. Review status: criteria provided, single submitter. Criteria: Ambry Variant Classification Scheme 2023. Collection method: clinical testing. Allele origin: germline.
Comment: The c.3803_3804+1dupCTG variant results from a duplication of 3 nucleotides between positions c.3803 and c.3804+1 and involves the canonical splice donor site after coding exon 22 of the PTCH1 gene. These nucleotide positions are well conserved in available vertebrate species. In silico splice site analysis predicts that this alteration will not have any significant effect on splicing. RNA studies have demonstrated that this alteration results in a transcript predicted to lead to a protein with an in-frame insertion of one amino acid; however, the exact functional impact of the inserted amino acid is unknown at this time (Ambry internal data). Based on the available evidence, the clinical significance of this variant remains unclear.

NM_000264.5(PTCH1):c.3803_3804+1dup

Gene: PTCH1 (patched 1; minus strand). Cytogenetic location: 9q22.32.
Variant type: Duplication.
Coding change: c.3803_3804+1dup on transcript NM_000264.5 (MANE Select); coding-DNA position 3803 through the canonical splice donor site of the intron after coding-DNA position 3804, 3 bases duplicated (CTG; older notation c.3803_3804+1dupCTG).
Molecular consequence: splice donor variant.
Genome position (GRCh38, 1-based): chr9:95,449,068-95,449,070, CAG duplicated on the plus strand (CTG on the coding strand, the reverse complement: PTCH1 is on the minus strand). VCF-style (leftmost placement, unchanged base first): chr9-95449067-A-ACAG. GRCh37 (hg19) VCF-style: chr9-98211349-A-ACAG.
Other names: c.3800_3801+1dup (NM_001083603.3); c.3605_3606+1dup (NM_001083602.3); c.3647_3648+1dup (NM_001354918.2); c.3350_3351+1dup (NM_001083605.3, NM_001083604.3, NM_001083606.3 and 1 more transcripts).
Identifiers: ClinVar variation 3939938 (VCV003939938.1).